The following is an entry in ClinVar:

ClinVar aggregate classification (germline): other (0 of 4 stars; one submission).

Conditions:
Familial colorectal cancer. Identifiers: MedGen CN280943, MONDO:0023113. Disease mechanism: loss of function.

Submission:

Systems Biology Platform Zhejiang California International NanoSystems Institute
Classification: other for Familial colorectal cancer. Review status: no assertion criteria provided. Collection method: not provided. Allele origin: unknown.
ClinVar note: Converted during submission from cancer to other.

NM_000038.6(APC):c.730-1469C>A

Gene: APC (APC regulator of WNT signaling pathway; plus strand). Cytogenetic location: 5q22.2.
Variant type: single nucleotide variant.
Coding change: c.730-1469C>A on transcript NM_000038.6 (MANE Select); 1469 bases into the intron before coding-DNA position 730, C replaced by A.
Molecular consequence: intron variant.
Genome position (GRCh38, 1-based): chr5:112,799,810, C>A. VCF-style: chr5-112799810-C-A. GRCh37 (hg19) VCF-style: chr5-112135507-C-A.
Other names: c.730-1469C>A (NM_001354895.2, NM_001127510.3, NM_001354896.2 and 1 more transcripts); c.760-1469C>A (NM_001354897.2, NM_001354902.2); c.676-1469C>A (NM_001127511.3); c.655-1469C>A (NM_001354898.2, NM_001354904.2); c.-306-1469C>A (NM_001354906.2); c.646-1469C>A (NM_001354899.2); c.553-1469C>A (NM_001354900.2, NM_001354901.2, NM_001354905.2).
Identifiers: ClinVar variation 82507 (VCV000082507.2), dbSNP rs77670933, ClinGen allele CA013328.